The following is an entry in ClinVar:

NM_000395.3(CSF2RB):c.2182G>C (p.Val728Leu)

Gene: CSF2RB (colony stimulating factor 2 receptor subunit beta; plus strand). Cytogenetic location: 22q12.3.
Variant type: single nucleotide variant.
Coding change: c.2182G>C on transcript NM_000395.3 (MANE Select); coding-DNA position 2182, G replaced by C.
Protein change: p.Val728Leu; replaces valine 728 with leucine.
Molecular consequence: missense variant.
Genome position (GRCh38, 1-based): chr22:36,937,990, G>C. VCF-style: chr22-36937990-G-C. GRCh37 (hg19) VCF-style: chr22-37334032-G-C.
Other names: c.2200G>C, p.Val734Leu (NM_001410827.1); short protein forms V728L, V734L.
Identifiers: ClinVar variation 1721260 (VCV001721260.5), dbSNP rs2518010384, ClinGen allele CA411410994.

ClinVar aggregate classification (germline): Uncertain significance (1 of 4 stars; one submission).

Allele frequency attached by ClinVar (database versions not stated): gnomAD exomes below 0.00001.

Submission:

Labcorp Genetics (formerly Invitae), Labcorp
Classification: Uncertain significance. Last evaluated: 2022-10-08. Review status: criteria provided, single submitter. Criteria: Invitae Variant Classification Sherloc (09022015). Collection method: clinical testing. Allele origin: germline.
Comment: This sequence change replaces valine, which is neutral and non-polar, with leucine, which is neutral and non-polar, at codon 728 of the CSF2RB protein (p.Val728Leu). This variant is not present in population databases (gnomAD no frequency). This variant has not been reported in the literature in individuals affected with CSF2RB-related conditions. Advanced modeling of protein sequence and biophysical properties (such as structural, functional, and spatial information, amino acid conservation, physicochemical variation, residue mobility, and thermodynamic stability) performed at Invitae indicates that this missense variant is not expected to disrupt CSF2RB protein function. In summary, the available evidence is currently insufficient to determine the role of this variant in disease. Therefore, it has been classified as a Variant of Uncertain Significance.